The following is an entry in ClinVar:

ClinVar aggregate classification (germline): Conflicting classifications of pathogenicity. Review status: criteria provided, conflicting classifications (1 of 4 stars). 8 submissions from 8 submitters: Uncertain significance (7); Likely benign (1). Last evaluated 2025-12-13.

Conditions:
Familial adenomatous polyposis 1 (FAP1). Also called: FAMILIAL ADENOMATOUS POLYPOSIS 1, ATTENUATED; POLYPOSIS, ADENOMATOUS INTESTINAL. Identifiers: MedGen C2713442, MONDO:0021056, OMIM 175100. Disease mechanism: loss of function.
Gastric adenocarcinoma and proximal polyposis of the stomach (GAPPS). Also called: POLYPOSIS, GASTRIC; Gastric Adenocarcinoma and Proximal Polyposis of the Stomach (GAPPS); Polyposis, gastric, Dos Santos and de Magalhaes 1980. Identifiers: Orphanet 314022, MedGen C4749917, MONDO:0017790, OMIM 619182.
Desmoid disease, hereditary (DESMD). Also called: FIBROMATOSIS, FAMILIAL INFILTRATIVE. Identifiers: Orphanet 873, MedGen C1851124, OMIM 135290. Disease mechanism: loss of function.
Hepatocellular carcinoma (HCC). Also called: Primary carcinoma of liver; HEPATOMA; LIVER CELL CARCINOMA. Identifiers: Orphanet 88673, MedGen C2239176, MONDO:0007256, OMIM 114550, HP:0001402.
Gastric cancer. Also called: Malignant tumor of stomach; Stomach cancer. Identifiers: MedGen C0024623, MeSH D013274, MONDO:0001056, OMIM 613659, HP:0012126.
Colorectal cancer. Also called: Malignant Colorectal Neoplasm; Colorectal cancer, somatic. Identifiers: MedGen C0346629, MONDO:0005575, OMIM 114500.
Classic or attenuated familial adenomatous polyposis. Identifiers: MedGen CN372698, MONDO:0021057.
Hereditary cancer-predisposing syndrome. Also called: Neoplastic Syndromes, Hereditary; Hereditary Cancer Syndrome; Hereditary neoplastic syndrome; Tumor predisposition. Identifiers: Orphanet 140162, MedGen C0027672, MeSH D009386, MONDO:0015356.

Allele frequency attached by ClinVar (database versions not stated): gnomAD exomes below 0.00001 and 0.00001; ExAC 0.00001; gnomAD 0.00003; TOPMed 0.00005.
gnomAD v4.1: 10 of 1,614,126 alleles (0.00062%); highest among the groups gnomAD compares: African/African-American, 0.0067%; no homozygotes.

Submissions (8):

Labcorp Genetics (formerly Invitae), Labcorp
Classification: Uncertain significance for Familial adenomatous polyposis 1. Last evaluated: 2025-12-13. Review status: criteria provided, single submitter. Criteria: Invitae Variant Classification Sherloc (09022015). Collection method: clinical testing. Allele origin: germline.
Comment: This sequence change replaces aspartic acid, which is acidic and polar, with glycine, which is neutral and non-polar, at codon 989 of the APC protein (p.Asp989Gly). This variant is present in population databases (rs770976457, gnomAD 0.007%). This variant has not been reported in the literature in individuals affected with APC-related conditions. ClinVar contains an entry for this variant (Variation ID: 411386). Invitae Evidence Modeling of protein sequence and biophysical properties (such as structural, functional, and spatial information, amino acid conservation, physicochemical variation, residue mobility, and thermodynamic stability) indicates that this missense variant is not expected to disrupt APC protein function with a negative predictive value of 95%. RNA analysis performed to evaluate the impact of this missense change on mRNA splicing indicates it does not significantly alter splicing (internal data). In summary, the available evidence is currently insufficient to determine the role of this variant in disease. Therefore, it has been classified as a Variant of Uncertain Significance.

Color Diagnostics, LLC DBA Color Health
Classification: Uncertain significance for Hereditary cancer-predisposing syndrome. Last evaluated: 2025-04-07. Review status: criteria provided, single submitter. Criteria: ACMG Guidelines, 2015. Collection method: clinical testing. Allele origin: germline.
Comment: This missense variant replaces aspartic acid with glycine at codon 989 of the APC protein. Computational prediction is inconclusive regarding the impact of this variant on protein structure and function. To our knowledge, functional studies have not been reported for this variant. This variant has not been reported in individuals affected with APC-related disorders in the literature. This variant has been identified in 2/251312 chromosomes in the general population by the Genome Aggregation Database (gnomAD). The available evidence is insufficient to determine the role of this variant in disease conclusively. Therefore, this variant is classified as a Variant of Uncertain Significance.

Fulgent Genetics
Classification: Uncertain significance for Colorectal cancer; Hepatocellular carcinoma; Desmoid disease, hereditary; Familial adenomatous polyposis 1; Gastric cancer; Gastric adenocarcinoma and proximal polyposis of the stomach. Last evaluated: 2024-04-21. Review status: criteria provided, single submitter. Criteria: ACMG Guidelines, 2015. Collection method: clinical testing. Allele origin: germline.

All of Us Research Program, National Institutes of Health
Classification: Uncertain significance for Classic or attenuated familial adenomatous polyposis. Last evaluated: 2024-04-16. Review status: criteria provided, single submitter. Criteria: ACMG Guidelines, 2015. Collection method: clinical testing. Allele origin: germline. Inheritance: Autosomal dominant inheritance. Observed: 3 variant alleles, 3 heterozygotes.
Comment: This missense variant replaces aspartic acid with glycine at codon 989 of the APC protein. Computational prediction is inconclusive regarding the impact of this variant on protein structure and function (internally defined REVEL score threshold 0.5 < inconclusive < 0.7, PMID: 27666373). To our knowledge, functional studies have not been reported for this variant. This variant has not been reported in individuals affected with APC-related disorders in the literature. This variant has been identified in 2/251312 chromosomes in the general population by the Genome Aggregation Database (gnomAD). The available evidence is insufficient to determine the role of this variant in disease conclusively. Therefore, this variant is classified as a Variant of Uncertain Significance.

This study involves interpretation of variants in research participants for the purpose of population health screening. Participant phenotype was not available at the time of variant classification. Additional details can be found in publication PMID: 35346344, PMCID: PMC8962531

Baylor Genetics
Classification: Uncertain significance for Familial adenomatous polyposis 1. Last evaluated: 2024-03-25. Review status: criteria provided, single submitter. Criteria: ACMG Guidelines, 2015. Collection method: clinical testing. Allele origin: unknown.

GeneDx
Classification: Uncertain significance. Last evaluated: 2023-03-14. Review status: criteria provided, single submitter. Criteria: GeneDx Variant Classification Process June 2021. Collection method: clinical testing. Allele origin: germline. Affected: yes.
Comment: Not observed at significant frequency in large population cohorts (gnomAD); In silico analysis supports that this missense variant has a deleterious effect on protein structure/function; Identified in a pediatric patient with low-grade glioma (Zhang et al., 2015); This variant is associated with the following publications: (PMID: 26580448)

Ambry Genetics
Classification: Likely benign for Hereditary cancer-predisposing syndrome. Last evaluated: 2022-10-18. Review status: criteria provided, single submitter. Criteria: Ambry Variant Classification Scheme 2023. Collection method: clinical testing. Allele origin: germline.

Quest Diagnostics Nichols Institute San Juan Capistrano
Classification: Uncertain significance. Last evaluated: 2019-03-26. Review status: criteria provided, single submitter. Criteria: Quest Diagnostics criteria. Collection method: clinical testing. Allele origin: germline.

Literature cited by the submitters: PubMed 26580448 (cited by Ambry Genetics).

NM_000038.6(APC):c.2966A>G (p.Asp989Gly)

Gene: APC (APC regulator of Wnt signaling pathway; plus strand). Cytogenetic location: 5q22.2.
Variant type: single nucleotide variant.
Coding change: c.2966A>G on transcript NM_000038.6 (MANE Select); coding-DNA position 2966, A replaced by G.
Protein change: p.Asp989Gly; replaces aspartic acid 989 with glycine.
Molecular consequence: missense variant.
Genome position (GRCh38, 1-based): chr5:112,838,560, A>G. VCF-style: chr5-112838560-A-G. GRCh37 (hg19) VCF-style: chr5-112174257-A-G.
Other names: c.2966A>G, p.Asp989Gly (NM_001127510.3, NM_001354895.2); c.2912A>G, p.Asp971Gly (NM_001127511.3); c.3020A>G, p.Asp1007Gly (NM_001354896.2); c.2996A>G, p.Asp999Gly (NM_001354897.2); c.2891A>G, p.Asp964Gly (NM_001354898.2); c.2882A>G, p.Asp961Gly (NM_001354899.2); c.2843A>G, p.Asp948Gly (NM_001354900.2); c.2789A>G, p.Asp930Gly (NM_001354901.2); and 5 more; short protein forms D971G, D989G, D829G, D888G, D898G, D930G, D1007G, D706G.
Identifiers: ClinVar variation 411386 (VCV000411386.29), dbSNP rs770976457, ClinGen allele CA034127.